The following is an entry in ClinVar:

ClinVar aggregate classification (germline): Pathogenic (1 of 4 stars; one submission).

Conditions:
Breast-ovarian cancer, familial, susceptibility to, 2 (BROVCA2). Also called: BRCA2 Hereditary Breast and Ovarian Cancer. Identifiers: Orphanet 145, MedGen C2675520, MONDO:0012933, OMIM 612555. Disease mechanism: loss of function.

Submission:

Myriad Genetics, Inc.
Classification: Pathogenic for Breast-ovarian cancer, familial, susceptibility to, 2. Last evaluated: 2023-01-17. Review status: criteria provided, single submitter. Criteria: Myriad Autosomal Dominant, Autosomal Recessive and X-Linked Classification Criteria (2023). Collection method: clinical testing. Allele origin: unknown.
Comment: This variant is considered pathogenic. This variant creates a frameshift predicted to result in premature protein truncation.

NM_000059.4(BRCA2):c.7486_7507dup (p.Val2503fs)

Gene: BRCA2 (BRCA2 DNA repair associated; plus strand). Cytogenetic location: 13q13.1.
Variant type: Duplication.
Coding change: c.7486_7507dup on transcript NM_000059.4 (MANE Select); coding-DNA positions 7486 to 7507, 22 bases duplicated (AAGAAGAAACAAAGGCAACGCG).
Protein change: p.Val2503fs; shifts the reading frame from valine 2503.
Molecular consequence: frameshift variant.
Genome position (GRCh38, 1-based): chr13:32,356,478-32,356,499, AAGAAGAAACAAAGGCAACGCG duplicated. VCF-style (leftmost placement, unchanged base first): chr13-32356477-T-TAAGAAGAAACAAAGGCAACGCG. GRCh37 (hg19) VCF-style: chr13-32930614-T-TAAGAAGAAACAAAGGCAACGCG.
Other names: c.7390_7411dup, p.Val2471Glufs (NM_001406719.1); c.7486_7507dup, p.Val2503Glufs (NM_001406720.1); c.2554_2575dup, p.Val859Glufs (NM_001406721.1); c.1069_1090dup, p.Val364Glufs (NM_001406722.1); short protein forms V2503fs.
Identifiers: ClinVar variation 2431253 (VCV002431253.1), dbSNP rs2548541397, ClinGen allele CA2580087467.